The following is an entry in ClinVar:

ClinVar aggregate classification (germline): Pathogenic. Review status: criteria provided, multiple submitters, no conflicts (2 of 4 stars). 2 submissions from 2 submitters: Pathogenic (2). Last evaluated 2025-11-03.

Conditions:
Neurodegeneration with brain iron accumulation 5 (NBIA5). Also called: STATIC ENCEPHALOPATHY OF CHILDHOOD WITH NEURODEGENERATION IN ADULTHOOD; Beta-propeller protein-associated neurodegeneration. Identifiers: Orphanet 329284, MedGen C3550973, MONDO:0010476, OMIM 300894.

Submissions (2):

3billion
Classification: Pathogenic for Neurodegeneration with brain iron accumulation 5. Last evaluated: 2025-11-03. Review status: criteria provided, single submitter. Criteria: ACMG Guidelines, 2015. Collection method: clinical testing. Allele origin: germline. Affected: yes.
Comment: The variant is not observed in the gnomAD v4.1.0 dataset. Predicted Consequence/Location: Stop-gained (nonsense): predicted to result in a loss or disruption of normal protein function through nonsense-mediated decay (NMD) or protein truncation. Multiple pathogenic variants are reported downstream of the variant. The variant has been previously reported as de novo in a similarly affected individual (PMID: 36028527). The variant has been reported to be associated with WDR45-related disorder (ClinVar ID: VCV000962128 /PMID: 36028527). Therefore, this variant is classified as Pathogenic according to the recommendation of ACMG/AMP guideline.

Labcorp Genetics (formerly Invitae), Labcorp
Classification: Pathogenic for Neurodegeneration with brain iron accumulation 5. Last evaluated: 2023-04-05. Review status: criteria provided, single submitter. Criteria: Invitae Variant Classification Sherloc (09022015). Collection method: clinical testing. Allele origin: germline.
Comment: This sequence change creates a premature translational stop signal (p.Gln203*) in the WDR45 gene. It is expected to result in an absent or disrupted protein product. Loss-of-function variants in WDR45 are known to be pathogenic (PMID: 23176820, 24368176, 24621584, 25744623, 26790960, 27030146, 27652284, 28554332). This variant is not present in population databases (gnomAD no frequency). This variant has not been reported in the literature in individuals affected with WDR45-related conditions. ClinVar contains an entry for this variant (Variation ID: 962128). For these reasons, this variant has been classified as Pathogenic.

Literature cited by the submitters: PubMed 36028527 (cited by 3billion); PubMed 23176820 (cited by Labcorp Genetics (formerly Invitae), Labcorp); PubMed 24368176 (cited by Labcorp Genetics (formerly Invitae), Labcorp); PubMed 24621584 (cited by Labcorp Genetics (formerly Invitae), Labcorp); PubMed 25744623 (cited by Labcorp Genetics (formerly Invitae), Labcorp); PubMed 26790960 (cited by Labcorp Genetics (formerly Invitae), Labcorp); PubMed 27030146 (cited by Labcorp Genetics (formerly Invitae), Labcorp); PubMed 27652284 (cited by Labcorp Genetics (formerly Invitae), Labcorp); PubMed 28554332 (cited by Labcorp Genetics (formerly Invitae), Labcorp).

NM_001029896.2(WDR45):c.604C>T (p.Gln202Ter)

Gene: WDR45 (WD repeat domain 45; minus strand). Cytogenetic location: Xp11.23.
Variant type: single nucleotide variant.
Coding change: c.604C>T on transcript NM_001029896.2 (MANE Select); coding-DNA position 604, C replaced by T.
Protein change: p.Gln202Ter; replaces glutamine 202 with a stop codon.
Molecular consequence: nonsense.
Genome position (GRCh38, 1-based): chrX:49,075,666, G>A on the plus strand (C>T on the coding strand, the complement: WDR45 is on the minus strand). VCF-style: chrX-49075666-G-A. GRCh37 (hg19) VCF-style: chrX-48933325-G-A.
Other names: c.607C>T, p.Gln203Ter (NM_007075.4); short protein forms Q203*, Q202*.
Identifiers: ClinVar variation 962128 (VCV000962128.8), dbSNP rs2065032542, ClinGen allele CA412944294.